The following is an entry in ClinVar:

NM_014225.6(PPP2R1A):c.78+5G>A

Gene: PPP2R1A (protein phosphatase 2 scaffold subunit Aalpha; plus strand). Cytogenetic location: 19q13.41.
Variant type: single nucleotide variant.
Coding change: c.78+5G>A on transcript NM_014225.6 (MANE Select); 5 bases into the intron after coding-DNA position 78, G replaced by A.
Molecular consequence: intron variant.
Genome position (GRCh38, 1-based): chr19:52,190,179, G>A. VCF-style: chr19-52190179-G-A. GRCh37 (hg19) VCF-style: chr19-52693432-G-A.
Identifiers: ClinVar variation 2803256 (VCV002803256.3), dbSNP rs2514067649, ClinGen allele CA407178691.

ClinVar aggregate classification (germline): Uncertain significance (1 of 4 stars; one submission).

Submission:

Labcorp Genetics (formerly Invitae), Labcorp
Classification: Uncertain significance. Last evaluated: 2022-11-24. Review status: criteria provided, single submitter. Criteria: Invitae Variant Classification Sherloc (09022015). Collection method: clinical testing. Allele origin: germline.
Comment: In summary, the available evidence is currently insufficient to determine the role of this variant in disease. Therefore, it has been classified as a Variant of Uncertain Significance. Variants that disrupt the consensus splice site are a relatively common cause of aberrant splicing (PMID: 17576681, 9536098). Algorithms developed to predict the effect of sequence changes on RNA splicing suggest that this variant is not likely to affect RNA splicing. This variant has not been reported in the literature in individuals affected with PPP2R1A-related conditions. This variant is not present in population databases (gnomAD no frequency). This sequence change falls in intron 1 of the PPP2R1A gene. It does not directly change the encoded amino acid sequence of the PPP2R1A protein. It affects a nucleotide within the consensus splice site.

Literature cited by the submitters: PubMed 17576681; PubMed 9536098.